The following is an entry in ClinVar:

NM_016203.4(PRKAG2):c.685-1G>A

Genes: PRKAG2 (protein kinase AMP-activated non-catalytic subunit gamma 2; minus strand), LOC129999660 (ATAC-STARR-seq lymphoblastoid silent region 18823; plus strand). Cytogenetic location: 7q36.1.
Variant type: single nucleotide variant.
Coding change: c.685-1G>A on transcript NM_016203.4 (MANE Select); the canonical splice acceptor site of the intron before coding-DNA position 685, G replaced by A.
Molecular consequence: splice acceptor variant. On other transcripts: 5 prime UTR variant (4), intron variant (3).
Genome position (GRCh38, 1-based): chr7:151,632,139, C>T on the plus strand (G>A on the coding strand, the complement: PRKAG2 is on the minus strand). VCF-style: chr7-151632139-C-T. GRCh37 (hg19) VCF-style: chr7-151329225-C-T.
Other names: c.-40G>A (NM_001407035.1, NM_001407036.1, NM_001407040.1 and 1 more transcripts); c.467-36688G>A (NM_001407031.1); c.467-36685G>A (NM_001407030.1); c.685-1G>A (NM_001407023.1, NM_001407022.1, NM_001407021.1 and 1 more transcripts); c.367-1G>A (NM_001407032.1); c.553-1G>A (NM_001407026.1, NM_001040633.2, NM_001407027.1 and 1 more transcripts); c.361-1G>A (NM_001407033.1); c.95-36688G>A (NM_001407037.1); and 3 more.
Identifiers: ClinVar variation 1677571 (VCV001677571.8), dbSNP rs1824685527, ClinGen allele CA370071387.

ClinVar aggregate classification (germline): Uncertain significance. Review status: criteria provided, multiple submitters, no conflicts (2 of 4 stars). 3 submissions from 3 submitters: Uncertain significance (3). Last evaluated 2023-07-14.

Conditions:
Cardiovascular phenotype. Identifiers: MedGen CN230736.
Lethal congenital glycogen storage disease of heart. Also called: GLYCOGEN STORAGE DISEASE OF HEART; PHOSPHORYLASE KINASE DEFICIENCY OF HEART. Identifiers: Orphanet 439854, MedGen C1849813, MONDO:0009867, OMIM 261740.

Allele frequency attached by ClinVar (database versions not stated): gnomAD 0.00001.

Submissions (3):

Ambry Genetics
Classification: Uncertain significance for Cardiovascular phenotype. Last evaluated: 2023-07-14. Review status: criteria provided, single submitter. Criteria: Ambry Variant Classification Scheme 2023. Collection method: clinical testing. Allele origin: germline.
Comment: The c.685-1G>A intronic variant results from a G to A substitution one nucleotide upstream from coding exon 5 of the PRKAG2 gene. This nucleotide position is highly conserved in available vertebrate species. In silico splice site analysis predicts that this alteration will weaken the native splice acceptor site and will result in the creation or strengthening of a novel splice acceptor site. Alterations that disrupt the canonical splice site are expected to cause aberrant splicing, resulting in an abnormal protein or a transcript that is subject to nonsense-mediated mRNA decay. However, loss of function of PRKAG2 has not been established as a mechanism of disease. Since supporting evidence is limited at this time, the clinical significance of this alteration remains unclear.

Labcorp Genetics (formerly Invitae), Labcorp
Classification: Uncertain significance for Lethal congenital glycogen storage disease of heart. Last evaluated: 2022-02-12. Review status: criteria provided, single submitter. Criteria: Invitae Variant Classification Sherloc (09022015). Collection method: clinical testing. Allele origin: germline.
Comment: This sequence change affects an acceptor splice site in intron 4 of the PRKAG2 gene. It is expected to disrupt RNA splicing. Variants that disrupt the donor or acceptor splice site typically lead to a loss of protein function (PMID: 16199547), however the current clinical and genetic evidence is not sufficient to establish whether loss-of-function variants in PRKAG2 cause disease. In summary, the available evidence is currently insufficient to determine the role of this variant in disease. Therefore, it has been classified as a Variant of Uncertain Significance. Algorithms developed to predict the effect of sequence changes on RNA splicing suggest that this variant may disrupt the consensus splice site. This variant has not been reported in the literature in individuals affected with PRKAG2-related conditions. This variant is not present in population databases (gnomAD no frequency).

AiLife Diagnostics
Classification: Uncertain significance. Last evaluated: 2021-10-19. Review status: criteria provided, single submitter. Criteria: ACMG Guidelines, 2015. Collection method: clinical testing. Allele origin: germline. Affected: yes. Observed: 1 variant allele.

Literature cited by the submitters: PubMed 16199547 (cited by Labcorp Genetics (formerly Invitae), Labcorp).